The following is an entry in ClinVar:

ClinVar aggregate classification (germline): Uncertain significance (1 of 4 stars; one submission).

Conditions:
Charcot-Marie-Tooth disease axonal type 2O. Also called: Charcot-Marie-Tooth disease, axonal, type 20; CHARCOT-MARIE-TOOTH NEUROPATHY, AXONAL, TYPE 2O; CHARCOT-MARIE-TOOTH DISEASE, AXONAL, AUTOSOMAL DOMINANT, TYPE 2O; Charcot-Marie-Tooth Neuropathy Type 2O. Identifiers: Orphanet 284232, MedGen C3280220, MONDO:0013644, OMIM 614228.

Submission:

Labcorp Genetics (formerly Invitae), Labcorp
Classification: Uncertain significance for Charcot-Marie-Tooth disease axonal type 2O. Last evaluated: 2024-03-07. Review status: criteria provided, single submitter. Criteria: Invitae Variant Classification Sherloc (09022015). Collection method: clinical testing. Allele origin: germline.
Comment: This sequence change replaces cysteine, which is neutral and slightly polar, with tyrosine, which is neutral and polar, at codon 3507 of the DYNC1H1 protein (p.Cys3507Tyr). This variant is not present in population databases (gnomAD no frequency). This variant has not been reported in the literature in individuals affected with DYNC1H1-related conditions. Advanced modeling of protein sequence and biophysical properties (such as structural, functional, and spatial information, amino acid conservation, physicochemical variation, residue mobility, and thermodynamic stability) performed at Invitae indicates that this missense variant is expected to disrupt DYNC1H1 protein function with a positive predictive value of 95%. In summary, the available evidence is currently insufficient to determine the role of this variant in disease. Therefore, it has been classified as a Variant of Uncertain Significance.

NM_001376.5(DYNC1H1):c.10520G>A (p.Cys3507Tyr)

Gene: DYNC1H1 (dynein cytoplasmic 1 heavy chain 1; plus strand). Cytogenetic location: 14q32.31.
Variant type: single nucleotide variant.
Coding change: c.10520G>A on transcript NM_001376.5 (MANE Select); coding-DNA position 10520, G replaced by A.
Protein change: p.Cys3507Tyr; replaces cysteine 3507 with tyrosine.
Molecular consequence: missense variant.
Genome position (GRCh38, 1-based): chr14:102,034,082, G>A. VCF-style: chr14-102034082-G-A. GRCh37 (hg19) VCF-style: chr14-102500419-G-A.
Other names: short protein forms C3507Y.
Identifiers: ClinVar variation 3636174 (VCV003636174.2).